The following is an entry in ClinVar:

ClinVar aggregate classification (germline): Likely benign. Review status: criteria provided, multiple submitters, no conflicts (2 of 4 stars). 3 submissions from 3 submitters: Likely benign (3). Last evaluated 2024-09-27.

Conditions:
Melanoma, cutaneous malignant, susceptibility to, 3. Also called: Cutaneous malignant melanoma 3. Identifiers: Orphanet 618, MedGen C1836892, MONDO:0012183, OMIM 609048.
Familial melanoma. Also called: Hereditary melanoma; Hereditary cutaneous melanoma. Identifiers: Orphanet 618, MedGen C1512419, MONDO:0018961.
Hereditary cancer-predisposing syndrome. Also called: Neoplastic Syndromes, Hereditary; Tumor predisposition; Hereditary neoplastic syndrome; Hereditary Cancer Syndrome. Identifiers: Orphanet 140162, MedGen C0027672, MeSH D009386, MONDO:0015356.

Allele frequency attached by ClinVar (database versions not stated): ExAC 0.00001; gnomAD exomes 0.00001.
gnomAD v4.1: 17 of 1,607,526 alleles (0.0011%); highest among the groups gnomAD compares: South Asian, 0.019%; no homozygotes.

Submissions (3):

Myriad Genetics, Inc.
Classification: Likely benign for Melanoma, cutaneous malignant, susceptibility to, 3. Last evaluated: 2024-09-27. Review status: criteria provided, single submitter. Criteria: Myriad Autosomal Dominant, Autosomal Recessive and X-Linked Classification Criteria (2023). Collection method: clinical testing. Allele origin: unknown.
Comment: This variant is considered likely benign. This variant is intronic and is not expected to impact mRNA splicing.

Labcorp Genetics (formerly Invitae), Labcorp
Classification: Likely benign for Familial melanoma. Last evaluated: 2023-08-10. Review status: criteria provided, single submitter. Criteria: Invitae Variant Classification Sherloc (09022015). Collection method: clinical testing. Allele origin: germline.

Ambry Genetics
Classification: Likely benign for Hereditary cancer-predisposing syndrome. Last evaluated: 2022-09-27. Review status: criteria provided, single submitter. Criteria: Ambry Variant Classification Scheme 2023. Collection method: clinical testing. Allele origin: germline.

NM_000075.4(CDK4):c.820-4T>C

Genes: CDK4 (cyclin dependent kinase 4; minus strand), TSPAN31 (tetraspanin 31; plus strand), MIR6759 (microRNA 6759; minus strand). Cytogenetic location: 12q14.1.
Variant type: single nucleotide variant.
Coding change: c.820-4T>C on transcript NM_000075.4 (MANE Select); 4 bases into the intron before coding-DNA position 820, T replaced by C.
Molecular consequence: intron variant. On other transcripts: non-coding transcript variant (1), 3 prime UTR variant (3).
Genome position (GRCh38, 1-based): chr12:57,748,621, A>G on the plus strand (T>C on the coding strand, the complement: CDK4 is on the minus strand). VCF-style: chr12-57748621-A-G. GRCh37 (hg19) VCF-style: chr12-58142404-A-G.
Other names: c.*1331A>G (NM_001330168.2, NM_001330169.2, NM_005981.5).
Identifiers: ClinVar variation 827505 (VCV000827505.14), dbSNP rs750073768, ClinGen allele CA6657628.